The following is an entry in ClinVar:

NM_001127222.2(CACNA1A):c.1327G>A (p.Ala443Thr)

Gene: CACNA1A (calcium voltage-gated channel subunit alpha1 A; minus strand). Cytogenetic location: 19p13.13.
Variant type: single nucleotide variant.
Coding change: c.1327G>A on transcript NM_001127222.2 (MANE Select); coding-DNA position 1327, G replaced by A.
Protein change: p.Ala443Thr; replaces alanine 443 with threonine.
Molecular consequence: missense variant.
Genome position (GRCh38, 1-based): chr19:13,330,262, C>T on the plus strand (G>A on the coding strand, the complement: CACNA1A is on the minus strand). VCF-style: chr19-13330262-C-T. GRCh37 (hg19) VCF-style: chr19-13441076-C-T.
Other names: c.1330G>A, p.Ala444Thr (NM_000068.4, NM_001127221.2, NM_001174080.2 and 1 more transcripts); short protein forms A444T, A443T.
Identifiers: ClinVar variation 542830 (VCV000542830.12), dbSNP rs866479368, ClinGen allele CA305535638.

ClinVar aggregate classification (germline): Conflicting classifications of pathogenicity. Review status: criteria provided, conflicting classifications (1 of 4 stars). 3 submissions from 3 submitters: Uncertain significance (2); Likely benign (1). Last evaluated 2025-11-04.

Conditions:
Episodic ataxia type 2 (EA2). Also called: EPISODIC ATAXIA, NYSTAGMUS-ASSOCIATED; ATAXIA, EPISODIC, WITH NYSTAGMUS; ATAXIA, FAMILIAL PAROXYSMAL; CEREBELLAR ATAXIA, PAROXYSMAL, ACETAZOLAMIDE-RESPONSIVE; CEREBELLOPATHY, HEREDITARY PAROXYSMAL; ACETAZOLAMIDE-RESPONSIVE HEREDITARY PAROXYSMAL CEREBELLAR ATAXIA. Identifiers: Orphanet 97, MedGen C1720416, MONDO:0007163, OMIM 108500.
Developmental and epileptic encephalopathy, 42 (DEE42A). Also called: Epileptic encephalopathy, early infantile, 42; DEVELOPMENTAL AND EPILEPTIC ENCEPHALOPATHY 42A; EPILEPTIC ENCEPHALOPATHY, EARLY INFANTILE, 42A. Identifiers: MedGen C4310716, MONDO:0014917, OMIM 617106.

Allele frequency attached by ClinVar (database versions not stated): gnomAD 0.00001; TOPMed 0.00001; gnomAD exomes 0.00002.
gnomAD v4.1: 6 of 1,558,596 alleles (0.00038%); highest among the groups gnomAD compares: Admixed American, 0.0096%; no homozygotes.

Submissions (3):

GeneDx
Classification: Uncertain significance. Last evaluated: 2025-11-04. Review status: criteria provided, single submitter. Criteria: GeneDx Variant Classification Process June 2021. Collection method: clinical testing. Allele origin: germline.
Comment: In silico analysis suggests that this missense variant does not alter protein structure/function; Has not been previously published as pathogenic or benign to our knowledge

Labcorp Genetics (formerly Invitae), Labcorp
Classification: Likely benign for Developmental and epileptic encephalopathy, 42; Episodic ataxia type 2. Last evaluated: 2025-07-14. Review status: criteria provided, single submitter. Criteria: Invitae Variant Classification Sherloc (09022015). Collection method: clinical testing. Allele origin: germline.

Athena Diagnostics
Classification: Uncertain significance. Last evaluated: 2020-02-05. Review status: criteria provided, single submitter. Criteria: Athena Diagnostics Criteria. Collection method: clinical testing. Allele origin: unknown.